The following is an entry in ClinVar:

NM_139076.3(ABRAXAS1):c.879dup (p.Leu294fs)

Gene: ABRAXAS1 (abraxas 1, BRCA1 A complex subunit; minus strand). Cytogenetic location: 4q21.23.
Variant type: Duplication.
Coding change: c.879dup on transcript NM_139076.3 (MANE Select); coding-DNA position 879, one base duplicated (T; older notation c.879dupT).
Protein change: p.Leu294fs; shifts the reading frame from leucine 294.
Molecular consequence: frameshift variant.
Genome position (GRCh38, 1-based): chr4:83,462,820, A duplicated on the plus strand (T on the coding strand, the reverse complement: ABRAXAS1 is on the minus strand); the first of 3 consecutive A bases (chr4:83,462,820-83,462,822); duplicating any one gives the same sequence. VCF-style (leftmost placement, unchanged base first): chr4-83462819-G-GA. GRCh37 (hg19) VCF-style: chr4-84383972-G-GA.
Other names: c.552dup, p.Leu185fs (NM_001345962.2); short protein forms L185fs, L294fs.
Identifiers: ClinVar variation 2193628 (VCV002193628.4), dbSNP rs769078691, ClinGen allele CA100678498.

ClinVar aggregate classification (germline): Uncertain significance (1 of 4 stars; one submission).

Submission:

Labcorp Genetics (formerly Invitae), Labcorp
Classification: Uncertain significance. Last evaluated: 2022-02-04. Review status: criteria provided, single submitter. Criteria: Invitae Variant Classification Sherloc (09022015). Collection method: clinical testing. Allele origin: germline.
Comment: In summary, the available evidence is currently insufficient to determine the role of this variant in disease. Therefore, it has been classified as a Variant of Uncertain Significance. This variant has not been reported in the literature in individuals affected with ABRAXAS1-related conditions. This variant is present in population databases (rs769078691, gnomAD 0.007%). This sequence change creates a premature translational stop signal (p.Leu294Serfs*11) in the ABRAXAS1 gene. While this is not anticipated to result in nonsense mediated decay, it is expected to disrupt the last 116 amino acid(s) of the ABRAXAS1 protein.